The following is an entry in ClinVar:

ClinVar aggregate classification (germline): Uncertain significance (1 of 4 stars; one submission).

Conditions:
Episodic ataxia type 2 (EA2). Also called: CEREBELLAR ATAXIA, PAROXYSMAL, ACETAZOLAMIDE-RESPONSIVE; CEREBELLOPATHY, HEREDITARY PAROXYSMAL; EPISODIC ATAXIA, NYSTAGMUS-ASSOCIATED; ACETAZOLAMIDE-RESPONSIVE HEREDITARY PAROXYSMAL CEREBELLAR ATAXIA; ATAXIA, EPISODIC, WITH NYSTAGMUS; ATAXIA, FAMILIAL PAROXYSMAL. Identifiers: Orphanet 97, MedGen C1720416, MONDO:0007163, OMIM 108500.
Developmental and epileptic encephalopathy, 42 (DEE42A). Also called: Epileptic encephalopathy, early infantile, 42; DEVELOPMENTAL AND EPILEPTIC ENCEPHALOPATHY 42A; EPILEPTIC ENCEPHALOPATHY, EARLY INFANTILE, 42A. Identifiers: MedGen C4310716, MONDO:0014917, OMIM 617106.

Submission:

Labcorp Genetics (formerly Invitae), Labcorp
Classification: Uncertain significance for Developmental and epileptic encephalopathy, 42; Episodic ataxia type 2. Last evaluated: 2023-01-15. Review status: criteria provided, single submitter. Criteria: Invitae Variant Classification Sherloc (09022015). Collection method: clinical testing. Allele origin: germline.
Comment: In summary, the available evidence is currently insufficient to determine the role of this variant in disease. Therefore, it has been classified as a Variant of Uncertain Significance. Algorithms developed to predict the effect of sequence changes on RNA splicing suggest that this variant may create or strengthen a splice site. This variant has not been reported in the literature in individuals affected with CACNA1A-related conditions. This variant is not present in population databases (gnomAD no frequency). This sequence change falls in intron 26 of the CACNA1A gene. It does not directly change the encoded amino acid sequence of the CACNA1A protein.

NM_001127222.2(CACNA1A):c.4250+13T>C

Genes: CACNA1A (calcium voltage-gated channel subunit alpha1 A; minus strand), LOC126862864 (MED14-independent group 3 enhancer GRCh37_chr19:13371552-13372751; plus strand). Cytogenetic location: 19p13.13.
Variant type: single nucleotide variant.
Coding change: c.4250+13T>C on transcript NM_001127222.2 (MANE Select); 13 bases into the intron after coding-DNA position 4250, T replaced by C.
Molecular consequence: intron variant.
Genome position (GRCh38, 1-based): chr19:13,261,437, A>G on the plus strand (T>C on the coding strand, the complement: CACNA1A is on the minus strand). VCF-style: chr19-13261437-A-G. GRCh37 (hg19) VCF-style: chr19-13372251-A-G.
Other names: c.4253+13T>C (NM_001127221.2, NM_001174080.2); c.4262+13T>C (NM_000068.4, NM_023035.3).
Identifiers: ClinVar variation 2943243 (VCV002943243.3), dbSNP rs748268017, ClinGen allele CA2740091937.